The following is an entry in ClinVar:

ClinVar aggregate classification (germline): Uncertain significance (1 of 4 stars; one submission).

Submission:

Athena Diagnostics
Classification: Uncertain significance. Last evaluated: 2024-01-24. Review status: criteria provided, single submitter. Criteria: Athena Diagnostics Criteria. Collection method: clinical testing. Allele origin: unknown.
Comment: Available data are insufficient to determine the clinical significance of the variant at this time. This variant has not been reported in large, multi-ethnic general populations. Computational tools predict that this variant is damaging.

NM_000426.4(LAMA2):c.3770T>A (p.Ile1257Asn)

Gene: LAMA2 (laminin subunit alpha 2; plus strand). Cytogenetic location: 6q22.33.
Variant type: single nucleotide variant.
Coding change: c.3770T>A on transcript NM_000426.4 (MANE Select); coding-DNA position 3770, T replaced by A.
Protein change: p.Ile1257Asn; replaces isoleucine 1257 with asparagine.
Molecular consequence: missense variant.
Genome position (GRCh38, 1-based): chr6:129,315,796, T>A. VCF-style: chr6-129315796-T-A. GRCh37 (hg19) VCF-style: chr6-129636941-T-A.
Other names: c.3770T>A, p.Ile1257Asn (NM_001079823.2); short protein forms I1257N.
Identifiers: ClinVar variation 3571643 (VCV003571643.1).